The following is an entry in ClinVar:

NM_000135.4(FANCA):c.700A>G (p.Met234Val)

Gene: FANCA (FA complementation group A; minus strand). Cytogenetic location: 16q24.3.
Variant type: single nucleotide variant.
Coding change: c.700A>G on transcript NM_000135.4 (MANE Select); coding-DNA position 700, A replaced by G.
Protein change: p.Met234Val; replaces methionine 234 with valine.
Molecular consequence: missense variant.
Genome position (GRCh38, 1-based): chr16:89,805,289, T>C on the plus strand (A>G on the coding strand, the complement: FANCA is on the minus strand). VCF-style: chr16-89805289-T-C. GRCh37 (hg19) VCF-style: chr16-89871697-T-C.
Other names: c.700A>G, p.Met234Val (NM_001018112.3, NM_001286167.3); c.604A>G, p.Met202Val (NM_001351830.2); c.700A>G (LRG_495t1); short protein forms M202V, M234V.
Identifiers: ClinVar variation 655183 (VCV000655183.14), dbSNP rs1042676101, ClinGen allele CA286606152.

ClinVar aggregate classification (germline): Uncertain significance. Review status: criteria provided, multiple submitters, no conflicts (2 of 4 stars). 4 submissions from 4 submitters: Uncertain significance (3). 1 of the submissions does not count toward it. Last evaluated 2025-10-03.

Conditions:
Fanconi anemia (FA). Also called: Fanconi's anemia. Identifiers: Orphanet 84, MedGen C0015625, MeSH D005199, MONDO:0019391.
Fanconi anemia complementation group A (FANCA). Also called: Fanconi anemia, group A; FANCA-Related Fanconi Anemia. Identifiers: Orphanet 84, MedGen C3469521, MONDO:0009215, OMIM 227650.

Allele frequency attached by ClinVar (database versions not stated): gnomAD exomes 0.00001; TOPMed 0.00001.
gnomAD v4.1: 9 of 1,613,472 alleles (0.00056%); highest among the groups gnomAD compares: Admixed American, 0.005%; no homozygotes.

Submissions (4):

Labcorp Genetics (formerly Invitae), Labcorp
Classification: Uncertain significance for Fanconi anemia. Last evaluated: 2025-10-03. Review status: criteria provided, single submitter. Criteria: Invitae Variant Classification Sherloc (09022015). Collection method: clinical testing. Allele origin: germline.
Comment: This sequence change replaces methionine, which is neutral and non-polar, with valine, which is neutral and non-polar, at codon 234 of the FANCA protein (p.Met234Val). This variant is present in population databases (no rsID available, gnomAD 0.006%). This variant has not been reported in the literature in individuals affected with FANCA-related conditions. ClinVar contains an entry for this variant (Variation ID: 655183). Invitae Evidence Modeling of protein sequence and biophysical properties (such as structural, functional, and spatial information, amino acid conservation, physicochemical variation, residue mobility, and thermodynamic stability) indicates that this missense variant is not expected to disrupt FANCA protein function with a negative predictive value of 95%. In summary, the available evidence is currently insufficient to determine the role of this variant in disease. Therefore, it has been classified as a Variant of Uncertain Significance.

GeneDx
Classification: Uncertain significance. Last evaluated: 2023-07-15. Review status: criteria provided, single submitter. Criteria: GeneDx Variant Classification Process June 2021. Collection method: clinical testing. Allele origin: germline. Affected: yes.
Comment: In silico analysis supports that this missense variant does not alter protein structure/function; Has not been previously published as pathogenic or benign to our knowledge

Fulgent Genetics
Classification: Uncertain significance for Fanconi anemia complementation group A. Last evaluated: 2022-04-12. Review status: criteria provided, single submitter. Criteria: ACMG Guidelines, 2015. Collection method: clinical testing. Allele origin: unknown.

Natera, Inc.
Classification: Uncertain significance for Fanconi anemia. Last evaluated: 2021-04-21. Review status: no assertion criteria provided. Collection method: clinical testing. Allele origin: germline. Not counted in ClinVar's aggregate classification.